The following is an entry in ClinVar:

NM_025136.4(OPA3):c.241G>A (p.Ala81Thr)

Genes: OPA3 (outer mitochondrial membrane lipid metabolism regulator OPA3; minus strand), OPA3-RTN2 (OPA3-RTN2 readthrough; minus strand). Cytogenetic location: 19q13.32.
Variant type: single nucleotide variant.
Coding change: c.241G>A on transcript NM_025136.4 (MANE Select); coding-DNA position 241, G replaced by A.
Protein change: p.Ala81Thr; replaces alanine 81 with threonine.
Molecular consequence: missense variant. On other transcripts: intron variant (1).
Genome position (GRCh38, 1-based): chr19:45,553,813, C>T on the plus strand (G>A on the coding strand, the complement: OPA3 is on the minus strand). VCF-style: chr19-45553813-C-T. GRCh37 (hg19) VCF-style: chr19-46057071-C-T.
Other names: p.A81T:GCA>ACA; c.143-24357G>A (NM_001017989.3); short protein forms A81T.
Identifiers: ClinVar variation 214927 (VCV000214927.9), dbSNP rs186796646, ClinGen allele CA321609.

ClinVar aggregate classification (germline): Uncertain significance. Review status: criteria provided, multiple submitters, no conflicts (2 of 4 stars). 5 submissions from 5 submitters: Uncertain significance (2). 3 of the submissions do not count toward it. Last evaluated 2026-02-01.

Conditions:
3-Methylglutaconic aciduria type 3 (MGCA3). Also called: OPA3-Related 3-Methylglutaconic Aciduria; Costeff Syndrome; OPA3, AUTOSOMAL RECESSIVE; OPTIC ATROPHY 3, AUTOSOMAL RECESSIVE. Identifiers: Orphanet 67047, MedGen C0574084, MONDO:0009787, OMIM 258501.
Optic atrophy 3 (OPA3). Also called: Optic atrophy, cataract, and neurologic disorder; Optic atrophy 3 with cataract; OPTIC ATROPHY 3, AUTOSOMAL DOMINANT. Identifiers: Orphanet 67036, MedGen C1833809, MONDO:0008133, OMIM 165300.

Allele frequency attached by ClinVar (database versions not stated): TOPMed below 0.00001; gnomAD 0.00001; gnomAD exomes 0.00001 and 0.00002; ExAC 0.00002; 1000 Genomes Project 30x 0.00016; 1000 Genomes Project 0.00020.
gnomAD v4.1: 22 of 1,613,276 alleles (0.0014%); highest among the groups gnomAD compares: Middle Eastern, 0.016%; no homozygotes.

Submissions (5):

Labcorp Genetics (formerly Invitae), Labcorp
Classification: Uncertain significance for 3-Methylglutaconic aciduria type 3; Optic atrophy 3. Last evaluated: 2026-02-01. Review status: criteria provided, single submitter. Criteria: Invitae Variant Classification Sherloc (09022015). Collection method: clinical testing. Allele origin: germline.
Comment: This sequence change replaces alanine, which is neutral and non-polar, with threonine, which is neutral and polar, at codon 81 of the OPA3 protein (p.Ala81Thr). This variant is present in population databases (rs186796646, gnomAD 0.01%). This variant has not been reported in the literature in individuals affected with OPA3-related conditions. ClinVar contains an entry for this variant (Variation ID: 214927). An algorithm developed to predict the effect of missense changes on protein structure and function (PolyPhen-2) suggests that this variant is likely to be disruptive. In summary, the available evidence is currently insufficient to determine the role of this variant in disease. Therefore, it has been classified as a Variant of Uncertain Significance.

GeneDx
Classification: Uncertain significance. Last evaluated: 2016-06-17. Review status: criteria provided, single submitter. Criteria: GeneDx Variant Classification (06012015). Collection method: clinical testing. Allele origin: germline. Affected: yes.
Comment: p.Ala81Thr (GCA>ACA):c.241 G>A in exon 2 of the OPA3 gene (NM_025136.3) A variant of unknown significance identified in the OPA3 gene, A81T, has not been published as a mutation or a benign polymorphism to our knowledge. The amino acid change is non-conservative in that a non-polar Alanine residue is replaced by a polar Threonine residue. This change occurs at a highly conserved position in the OPA3 protein. In silico analyses are not consistent in their predictions of whether or not A81T is damaging to the OPA3 protein. Therefore, based on the currently available information it is unclear whether A81T would be a disease causing mutation or a rare benign variant. The variant is found in MITONUC-MITOP panel(s).

Natera, Inc.
Classification: Uncertain significance for 3-methylglutaconic aciduria type 3. Last evaluated: 2019-11-11. Review status: no assertion criteria provided. Collection method: clinical testing. Allele origin: germline. Not counted in ClinVar's aggregate classification.

Clinical Genetics DNA and cytogenetics Diagnostics Lab, Erasmus MC, Erasmus Medical Center
Classification: Uncertain significance. Review status: no assertion criteria provided. Collection method: clinical testing. Allele origin: germline. Affected: yes. Study: VKGL Data-share Consensus. Not counted in ClinVar's aggregate classification.

Clinical Genetics, Academic Medical Center
Classification: Uncertain significance. Review status: no assertion criteria provided. Collection method: clinical testing. Allele origin: germline. Affected: yes. Study: VKGL Data-share Consensus. Not counted in ClinVar's aggregate classification.